The following is an entry in ClinVar:

ClinVar aggregate classification (germline): Conflicting classifications of pathogenicity. Review status: criteria provided, conflicting classifications (1 of 4 stars). 6 submissions from 6 submitters: Likely pathogenic (4); Uncertain significance (1). 1 of the submissions does not count toward it. Last evaluated 2026-04-01.

Conditions:
IVD-related disorder. Also called: IVD-related condition.
Isovaleryl-CoA dehydrogenase deficiency (IVA). Also called: IVD DEFICIENCY; Classic Isovaleric Acidemia; Isovaleric acidemia; ISOVALERIC ACID CoA DEHYDROGENASE DEFICIENCY. Identifiers: Orphanet 33, MedGen C0268575, MONDO:0009475, OMIM 243500.

Allele frequency attached by ClinVar (database versions not stated): ExAC 0.00001; TOPMed 0.00002; gnomAD exomes 0.00002 and 0.00001.
gnomAD v4.1: 25 of 1,613,852 alleles (0.0015%); highest among the groups gnomAD compares: Middle Eastern, 0.034%; no homozygotes.

Submissions (6):

CeGaT Center for Human Genetics Tuebingen
Classification: Likely pathogenic. Last evaluated: 2026-04-01. Review status: criteria provided, single submitter. Criteria: CeGaT Center For Human Genetics Tuebingen Variant Classification Criteria Version 2. Collection method: clinical testing. Allele origin: germline. Affected: yes. Observed: 1 variant allele.
Comment: IVD: PM2, PP4:Moderate, PM3:Supporting, PP3

Natera, Inc.
Classification: Likely pathogenic for Isovaleryl-coa dehydrogenase deficiency. Last evaluated: 2025-09-24. Review status: criteria provided, single submitter. Criteria: Natera Variant Classification Schema (03/2026). Collection method: clinical testing. Allele origin: germline.
Comment: The c.1141T>C variant in IVD is a missense variant predicted to cause substitution of cysteine to arginine at amino acid 381. This variant is rare in the general population with a frequency below the threshold expected for the associated phenotype(s). This variant has been observed in one or more individuals affected with the associated recessive disease, as either homozygous or compound heterozygous with a second variant (PMID: 24059531, 33496032). This variant has been identified in one or more affected individual with a phenotype highly consistent with the associated gene (PMID: 24059531). Computational prediction algorithms indicate this variant is likely to affect gene or protein function. Given the available evidence, this variant is classified as Likely Pathogenic.

Fulgent Genetics
Classification: Likely pathogenic for Isovaleryl-CoA dehydrogenase deficiency. Last evaluated: 2024-06-11. Review status: criteria provided, single submitter. Criteria: ACMG Guidelines, 2015. Collection method: clinical testing. Allele origin: germline.

Women's Health and Genetics/Laboratory Corporation of America, LabCorp
Classification: Uncertain significance. Last evaluated: 2023-08-25. Review status: criteria provided, single submitter. Criteria: LabCorp Variant Classification Summary - May 2015. Collection method: clinical testing. Allele origin: germline.
Comment: Variant summary: IVD c.1132T>C (p.Cys378Arg) results in a non-conservative amino acid change in the encoded protein sequence. Five of five in-silico tools predict a damaging effect of the variant on protein function. The variant allele was found at a frequency of 8e-06 in 251390 control chromosomes (gnoomAD) . c.1132T>C has been reported in the literature in a homozygous individual affected with Isovaleryl-CoA Dehydrogenase Deficiency (example: Nizon_2013). These data indicate that the variant may be associated with disease. To our knowledge, no experimental evidence demonstrating an impact on protein function has been reported. The following publication has been ascertained in the context of this evaluation (PMID: 24059531). One submitter has cited clinical-significance assessments for this variant to ClinVar after 2014 and has classified the variant as likely pathogenic. Based on the evidence outlined above, the variant was classified as VUS-possibly pathogenic.

Eurofins Ntd Llc (ga)
Classification: Likely pathogenic. Last evaluated: 2016-06-17. Review status: criteria provided, single submitter. Criteria: EGL Classification Definitions. Collection method: clinical testing. Allele origin: germline. Observed: 2 variant alleles, 2 heterozygotes.

PreventionGenetics, part of Exact Sciences
Classification: Likely pathogenic for IVD-related condition. Last evaluated: 2024-08-30. Review status: no assertion criteria provided. Collection method: clinical testing. Allele origin: germline. Not counted in ClinVar's aggregate classification.
Comment: The IVD c.1141T>C variant is predicted to result in the amino acid substitution p.Cys381Arg. This variant, which has also been described as 1132C>T (Cys378Arg) in the literature, has been found in a homozygous state in a patient that tested positive biochemically for isovaleric acidemia (IVA) (Nizon et al. 2013. PubMed ID: 24059531). It was also reported in the presumed compound heterozygous state with a known pathogenic variant in an individual identified by newborn screening with subsequent confirmatory biochemical studies consistent with a diagnosis of IVA (Mutze et al. 2023. PubMed ID: 37429829). This variant is reported in 0.0018% of alleles in individuals of European (Non-Finnish) descent in gnomAD. At PreventionGenetics, this variant has been observed in multiple individuals with biochemically confirmed IVA or IVA positive newborn screens, one in a homozygous state, and 2 of the cases had a parental carrier confirmed (Internal Data, PreventionGenetics). This variant is interpreted as likely pathogenic.

Literature cited by the submitters: PubMed 24059531 (cited by Natera, Inc. and Women's Health and Genetics/Laboratory Corporation of America, LabCorp); PubMed 33496032 (cited by Natera, Inc.).

NM_002225.5(IVD):c.1132T>C (p.Cys378Arg)

Gene: IVD (isovaleryl-CoA dehydrogenase; plus strand). Cytogenetic location: 15q15.1.
Variant type: single nucleotide variant.
Coding change: c.1132T>C on transcript NM_002225.5 (MANE Select); coding-DNA position 1132, T replaced by C.
Protein change: p.Cys378Arg; replaces cysteine 378 with arginine.
Molecular consequence: missense variant. On other transcripts: non-coding transcript variant (1).
Genome position (GRCh38, 1-based): chr15:40,416,356, T>C. VCF-style: chr15-40416356-T-C. GRCh37 (hg19) VCF-style: chr15-40708555-T-C.
Other names: c.1042T>C, p.Cys348Arg (NM_001159508.3); c.1084T>C, p.Cys362Arg (NM_001354597.3); c.1132T>C, p.Cys378Arg (NM_001354598.3, NM_001354601.3); c.1219T>C, p.Cys407Arg (NM_001354599.3, NM_001354600.3); short protein forms C378R, C362R, C348R, C407R.
Identifiers: ClinVar variation 94051 (VCV000094051.11), dbSNP rs398123680, ClinGen allele CA221931.